The following is an entry in ClinVar:

ClinVar aggregate classification (germline): Uncertain significance (1 of 4 stars; one submission).

Submission:

Labcorp Genetics (formerly Invitae), Labcorp
Classification: Uncertain significance. Last evaluated: 2022-09-07. Review status: criteria provided, single submitter. Criteria: Invitae Variant Classification Sherloc (09022015). Collection method: clinical testing. Allele origin: germline.
Comment: In summary, the available evidence is currently insufficient to determine the role of this variant in disease. Therefore, it has been classified as a Variant of Uncertain Significance. Algorithms developed to predict the effect of sequence changes on RNA splicing suggest that this variant may disrupt the consensus splice site. ClinVar contains an entry for this variant (Variation ID: 1022034). This variant has not been reported in the literature in individuals affected with GNB3-related conditions. This variant is not present in population databases (gnomAD no frequency). This variant results in the deletion of part of exon 3 (c.58-25_60del) of the GNB3 gene. It is expected to disrupt RNA splicing. Variants that disrupt the donor or acceptor splice site typically lead to a loss of protein function (PMID: 16199547), however the current clinical and genetic evidence is not sufficient to establish whether loss-of-function variants in GNB3 cause disease.

Literature cited by the submitters: PubMed 16199547.

NM_002075.4(GNB3):c.58-25_60del

Gene: GNB3 (G protein subunit beta 3; plus strand). Cytogenetic location: 12p13.31.
Variant type: Deletion.
Coding change: c.58-25_60del on transcript NM_002075.4 (MANE Select); 25 bases into the intron before coding-DNA position 58 through coding-DNA position 60, 28 bases deleted (CCCCTGATGTCTGCTTTCCCTGCAGGAT).
Molecular consequence: splice acceptor variant.
Genome position (GRCh38, 1-based): chr12:6,841,561-6,841,588, CCCCTGATGTCTGCTTTCCCTGCAGGAT deleted; deleting any 28 consecutive bases within chr12:6,841,560-6,841,588 gives the same sequence; the c. name uses the placement nearest the transcript's 3' end. VCF-style (leftmost placement, unchanged base first): chr12-6841559-CTCCCCTGATGTCTGCTTTCCCTGCAGGA-C. GRCh37 (hg19) VCF-style: chr12-6950723-CTCCCCTGATGTCTGCTTTCCCTGCAGGA-C.
Other names: c.58-25_60del (NM_001297571.2).
Identifiers: ClinVar variation 1022034 (VCV001022034.6), dbSNP rs1943574339, ClinGen allele CA2014276249.
Genomic context (GRCh38, chr12:6,841,559, plus strand): 5'-GAGCCCCAAGACCAACCTGCCCTGAAGGCCCATGCACCTGCCACCCCCACCTCGCCCTTG[CTCCCCTGATGTCTGCTTTCCCTGCAGGA>C]TGCCAGGAAAGCCTGTGCTGACGTTACTCTGGCAGAGGTAAGACCCCCTGTCCCCCGGAA-3'